The following is an entry in ClinVar:

ClinVar aggregate classification (germline): Likely benign (1 of 4 stars; one submission).

Allele frequency attached by ClinVar (database versions not stated): gnomAD exomes 0.00001; gnomAD 0.00002.
gnomAD v4.1: 22 of 1,610,578 alleles (0.0014%); highest among the groups gnomAD compares: Non-Finnish European, 0.0019%; no homozygotes.

Submission:

CeGaT Center for Human Genetics Tuebingen
Classification: Likely benign. Last evaluated: 2023-09-01. Review status: criteria provided, single submitter. Criteria: CeGaT Center For Human Genetics Tuebingen Variant Classification Criteria Version 2. Collection method: clinical testing. Allele origin: germline. Affected: yes. Observed: 1 variant allele.
Comment: ARID1A: BP4, BS2

NM_006015.6(ARID1A):c.5299G>C (p.Glu1767Gln)

Gene: ARID1A (AT-rich interaction domain 1A; plus strand). Cytogenetic location: 1p36.11.
Variant type: single nucleotide variant.
Coding change: c.5299G>C on transcript NM_006015.6 (MANE Select); coding-DNA position 5299, G replaced by C.
Protein change: p.Glu1767Gln; replaces glutamic acid 1767 with glutamine.
Molecular consequence: missense variant.
Genome position (GRCh38, 1-based): chr1:26,779,197, G>C. VCF-style: chr1-26779197-G-C. GRCh37 (hg19) VCF-style: chr1-27105688-G-C.
Other names: c.4648G>C, p.Glu1550Gln (NM_139135.4); short protein forms E1767Q, E1550Q.
Identifiers: ClinVar variation 2638541 (VCV002638541.24), dbSNP rs1408637499, ClinGen allele CA339184632.